The following is an entry in ClinVar:

NM_007294.4(BRCA1):c.4268G>A (p.Ser1423Asn)

Gene: BRCA1 (BRCA1 DNA repair associated; minus strand). Cytogenetic location: 17q21.31.
Variant type: single nucleotide variant.
Coding change: c.4268G>A on transcript NM_007294.4 (MANE Select); coding-DNA position 4268, G replaced by A.
Protein change: p.Ser1423Asn; replaces serine 1423 with asparagine.
Molecular consequence: missense variant. On other transcripts: non-coding transcript variant (1).
Genome position (GRCh38, 1-based): chr17:43,082,493, C>T on the plus strand (G>A on the coding strand, the complement: BRCA1 is on the minus strand). VCF-style: chr17-43082493-C-T. GRCh37 (hg19) VCF-style: chr17-41234510-C-T.
Other names: c.4055G>A, p.Ser1352Asn (NM_001407571.1, NM_001407853.1, NM_001407894.1 and 12 more transcripts); c.4268G>A, p.Ser1423Asn (NM_001407581.1, NM_001407582.1, NM_001407583.1 and 23 more transcripts); c.4265G>A, p.Ser1422Asn (NM_001407587.1, NM_001407590.1, NM_001407591.1 and 21 more transcripts); c.4262G>A, p.Ser1421Asn (NM_001407627.1, NM_001407628.1, NM_001407629.1 and 5 more transcripts); c.4256G>A, p.Ser1419Asn (NM_001407646.1, NM_001407647.1); c.4145G>A, p.Ser1382Asn (NM_001407648.1, NM_001407664.1, NM_001407665.1 and 13 more transcripts); c.4142G>A, p.Ser1381Asn (NM_001407649.1, NM_001407670.1, NM_001407681.1 and 12 more transcripts); c.4187G>A, p.Ser1396Asn (NM_001407662.1, NM_001407663.1, NM_001407656.1 and 1 more transcripts); and 51 more; short protein forms S1423N, S1376N, S320N, S1254N, S1334N, S1335N, S1351N, S1352N.
Identifiers: ClinVar variation 946942 (VCV000946942.15), dbSNP rs876660129, ClinGen allele CA10593187.

ClinVar aggregate classification (germline): Uncertain significance. Review status: criteria provided, multiple submitters, no conflicts (2 of 4 stars). 4 submissions from 4 submitters: Uncertain significance (4). Last evaluated 2026-04-30.

Conditions:
Hereditary cancer-predisposing syndrome. Also called: Neoplastic Syndromes, Hereditary; Hereditary Cancer Syndrome; Tumor predisposition; Hereditary neoplastic syndrome. Identifiers: Orphanet 140162, MedGen C0027672, MeSH D009386, MONDO:0015356.
Hereditary breast ovarian cancer syndrome. Also called: Hereditary breast and ovarian cancer syndrome (HBOC); Hereditary breast and ovarian cancer; Hereditary breast and ovarian cancer syndrome; Breast and ovarian cancer; Hereditary breast and/or ovarian cancer syndrome; BRCA1- and BRCA2-Associated Hereditary Breast and Ovarian Cancer. Identifiers: Orphanet 145, MedGen C0677776, MeSH D061325, MONDO:0003582. Disease mechanism: loss of function.
BRCA1-related disorder. Also called: BRCA1-related condition.

Allele frequency attached by ClinVar (database versions not stated): TOPMed 0.00001.
gnomAD v4.1: 1 of 1,614,162 alleles (0.000062%); highest among the groups gnomAD compares: Non-Finnish European, 0.000085%; no homozygotes.

Submissions (4):

PreventionGenetics, part of Exact Sciences
Classification: Uncertain significance for BRCA1-related condition. Last evaluated: 2026-04-30. Review status: criteria provided, single submitter. Criteria: ACMG Guidelines, 2015. Collection method: clinical testing. Allele origin: germline.
Comment: The BRCA1 c.4268G>A variant is predicted to result in the amino acid substitution p.Ser1423Asn. This variant was reported in an individual with breast cancer (Okawa et al 2022. PubMed ID: 36243179, Supplementary Table 2). This variant is classified as uncertain in ClinVar (Variation ID: 946942). This variant has not been reported in a large population database, indicating this variant is rare. At this time, the clinical significance of this variant is uncertain due to the absence of conclusive functional and genetic evidence.

Labcorp Genetics (formerly Invitae), Labcorp
Classification: Uncertain significance for Hereditary breast ovarian cancer syndrome. Last evaluated: 2025-08-04. Review status: criteria provided, single submitter. Criteria: Invitae Variant Classification Sherloc (09022015). Collection method: clinical testing. Allele origin: germline.
Comment: This sequence change replaces serine, which is neutral and polar, with asparagine, which is neutral and polar, at codon 1423 of the BRCA1 protein (p.Ser1423Asn). This variant is not present in population databases (gnomAD no frequency). This variant has not been reported in the literature in individuals affected with BRCA1-related conditions. ClinVar contains an entry for this variant (Variation ID: 946942). Invitae Evidence Modeling of protein sequence and biophysical properties (such as structural, functional, and spatial information, amino acid conservation, physicochemical variation, residue mobility, and thermodynamic stability) indicates that this missense variant is not expected to disrupt BRCA1 protein function with a negative predictive value of 80%. In summary, the available evidence is currently insufficient to determine the role of this variant in disease. Therefore, it has been classified as a Variant of Uncertain Significance.

Ambry Genetics
Classification: Uncertain significance for Hereditary cancer-predisposing syndrome. Last evaluated: 2024-01-17. Review status: criteria provided, single submitter. Criteria: Ambry Variant Classification Scheme 2023. Collection method: clinical testing. Allele origin: germline.
Comment: The p.S1423N variant (also known as c.4268G>A), located in coding exon 11 of the BRCA1 gene, results from a G to A substitution at nucleotide position 4268. The serine at codon 1423 is replaced by asparagine, an amino acid with highly similar properties. This amino acid position is well conserved in available vertebrate species. In addition, this alteration is predicted to be tolerated by in silico analysis. Since supporting evidence is limited at this time, the clinical significance of this alteration remains unclear.

Revvity Omics, Revvity
Classification: Uncertain significance. Last evaluated: 2021-02-09. Review status: criteria provided, single submitter. Criteria: ACMG Guidelines, 2015. Collection method: clinical testing. Allele origin: germline.